The following is an entry in ClinVar:

NM_006160.4(NEUROD2):c.246GGA[3] (p.Glu91del)

Gene: NEUROD2 (neuronal differentiation 2; minus strand). Cytogenetic location: 17q12.
Variant type: Microsatellite.
Coding change: c.246GGA[3] on transcript NM_006160.4 (MANE Select); three copies in a row of the 3-base unit GGA starting at c.246; the reference has four copies in a row; one copy, 3 bases deleted.
Protein change: p.Glu91del; deletes glutamic acid 91.
Genome position (GRCh38, 1-based): chr17:39,606,343-39,606,345, TCC deleted on the plus strand (GGA on the coding strand, the reverse complement: NEUROD2 is on the minus strand); deleting any 3 consecutive bases within chr17:39,606,343-39,606,356 gives the same sequence; the position shown is the placement nearest the transcript's 3' end. VCF-style (leftmost placement, unchanged base first): chr17-39606342-TTCC-T. GRCh37 (hg19) VCF-style: chr17-37762595-TTCC-T.
Other names: short protein forms E91del.
Identifiers: ClinVar variation 3056028 (VCV003056028.2), dbSNP rs746061734, ClinGen allele CA8531847.

ClinVar aggregate classification (germline): Likely benign (0 of 4 stars; one submission).

Conditions:
NEUROD2-related disorder. Also called: NEUROD2-related condition.

Submission:

PreventionGenetics, part of Exact Sciences
Classification: Likely benign for NEUROD2-related condition. Last evaluated: 2021-04-19. Review status: no assertion criteria provided. Collection method: clinical testing. Allele origin: germline.
Comment: This variant is classified as likely benign based on ACMG/AMP sequence variant interpretation guidelines (Richards et al. 2015 PMID: 25741868, with internal and published modifications).